The following is an entry in ClinVar:

ClinVar aggregate classification (germline): Uncertain significance (1 of 4 stars; one submission).

Conditions:
Multiple congenital anomalies-hypotonia-seizures syndrome 2 (MCAHS2). Also called: GLYCOSYLPHOSPHATIDYLINOSITOL BIOSYNTHESIS DEFECT 4; EPILEPTIC ENCEPHALOPATHY, EARLY INFANTILE, 20. Identifiers: Orphanet 300496, MedGen C3275508, MONDO:0010466, OMIM 300868.

Submission:

Labcorp Genetics (formerly Invitae), Labcorp
Classification: Uncertain significance for Multiple congenital anomalies-hypotonia-seizures syndrome 2. Last evaluated: 2025-02-18. Review status: criteria provided, single submitter. Criteria: Invitae Variant Classification Sherloc (09022015). Collection method: clinical testing. Allele origin: germline.
Comment: This sequence change replaces valine, which is neutral and non-polar, with alanine, which is neutral and non-polar, at codon 20 of the PIGA protein (p.Val20Ala). This variant is not present in population databases (gnomAD no frequency). This variant has not been reported in the literature in individuals affected with PIGA-related conditions. Invitae Evidence Modeling of protein sequence and biophysical properties (such as structural, functional, and spatial information, amino acid conservation, physicochemical variation, residue mobility, and thermodynamic stability) has been performed for this missense variant. However, the output from this modeling did not meet the statistical confidence thresholds required to predict the impact of this variant on PIGA protein function. In summary, the available evidence is currently insufficient to determine the role of this variant in disease. Therefore, it has been classified as a Variant of Uncertain Significance.

NM_002641.4(PIGA):c.59T>C (p.Val20Ala)

Gene: PIGA (phosphatidylinositol glycan anchor biosynthesis class A; minus strand). Cytogenetic location: Xp22.2.
Variant type: single nucleotide variant.
Coding change: c.59T>C on transcript NM_002641.4 (MANE Select); coding-DNA position 59, T replaced by C.
Protein change: p.Val20Ala; replaces valine 20 with alanine.
Molecular consequence: missense variant. On other transcripts: non-coding transcript variant (2), intron variant (2).
Genome position (GRCh38, 1-based): chrX:15,331,872, A>G on the plus strand (T>C on the coding strand, the complement: PIGA is on the minus strand). VCF-style: chrX-15331872-A-G. GRCh37 (hg19) VCF-style: chrX-15349994-A-G.
Other names: c.59T>C, p.Val20Ala (NM_001440789.1); c.13+3629T>C (NM_020473.3); c.14-3559T>C (NM_001440790.1); short protein forms V20A.
Identifiers: ClinVar variation 4807978 (VCV004807978.1).
Genomic context (GRCh38, chrX:15,331,872, plus strand): 5'-TCAGATACCATGCATATATTATGGGTACGGGTTCTACATGTGTAAAGACTTCCAGGGCTA[A>G]CCCGAGAGAGTGTAGCTGAGGCACGGTGGCCATTCCCAGCTCCTCCTCTACAGGCCATGC-3'
Protein context (NP_002632.1, residues 10-30): GHRASATLSR[Val20Ala]SPGSLYTCRT